The following is an entry in ClinVar:

NM_001040108.2(MLH3):c.4217_4218del (p.Ile1406fs)

Gene: MLH3 (mutL homolog 3; minus strand). Cytogenetic location: 14q24.3.
Variant type: Deletion.
Coding change: c.4217_4218del on transcript NM_001040108.2 (MANE Select); coding-DNA positions 4217 to 4218, 2 bases deleted (TA; older notation c.4217_4218delTA).
Protein change: p.Ile1406fs; shifts the reading frame from isoleucine 1406.
Molecular consequence: frameshift variant.
Genome position (GRCh38, 1-based): chr14:75,018,853-75,018,854, TA deleted on the plus strand (TA on the coding strand, the reverse complement: MLH3 is on the minus strand); deleting any 2 consecutive bases within chr14:75,018,853-75,018,855 gives the same sequence; the c. name uses the placement nearest the transcript's 3' end. VCF-style (leftmost placement, unchanged base first): chr14-75018852-CTA-C. GRCh37 (hg19) VCF-style: chr14-75485555-CTA-C.
Other names: c.4145_4146del, p.Ile1382fs (NM_014381.3); short protein forms I1406fs, I1382fs.
Identifiers: ClinVar variation 1495825 (VCV001495825.6), dbSNP rs1410621557, ClinGen allele CA615049665.

ClinVar aggregate classification (germline): Uncertain significance (1 of 4 stars; one submission).

Conditions:
Colorectal cancer, hereditary nonpolyposis, type 7. Identifiers: Orphanet 144, MedGen C1858380, MONDO:0013725, OMIM 614385.

Submission:

Labcorp Genetics (formerly Invitae), Labcorp
Classification: Uncertain significance for Colorectal cancer, hereditary nonpolyposis, type 7. Last evaluated: 2021-09-23. Review status: criteria provided, single submitter. Criteria: Invitae Variant Classification Sherloc (09022015). Collection method: clinical testing. Allele origin: germline.
Comment: In summary, the available evidence is currently insufficient to determine the role of this variant in disease. Therefore, it has been classified as a Variant of Uncertain Significance. Experimental studies and prediction algorithms are not available or were not evaluated, and the functional significance of this variant is currently unknown. This variant has not been reported in the literature in individuals affected with MLH3-related conditions. This variant is not present in population databases (ExAC no frequency). This sequence change creates a premature translational stop signal (p.Ile1406Argfs*10) in the MLH3 gene. While this is not anticipated to result in nonsense mediated decay, it is expected to disrupt the last 48 amino acid(s) of the MLH3 protein.